The following is an entry in ClinVar:

ClinVar aggregate classification (germline): Uncertain significance (1 of 4 stars; one submission).

Allele frequency attached by ClinVar (database versions not stated): ExAC 0.00002.
gnomAD v4.1: 8 of 1,602,452 alleles (0.0005%); highest among the groups gnomAD compares: South Asian, 0.0077%; no homozygotes.

Submission:

Labcorp Genetics (formerly Invitae), Labcorp
Classification: Uncertain significance. Last evaluated: 2022-10-07. Review status: criteria provided, single submitter. Criteria: Invitae Variant Classification Sherloc (09022015). Collection method: clinical testing. Allele origin: germline.
Comment: This variant is present in population databases (rs759303781, gnomAD 0.01%). This sequence change replaces isoleucine, which is neutral and non-polar, with leucine, which is neutral and non-polar, at codon 426 of the HMCN1 protein (p.Ile426Leu). This variant has not been reported in the literature in individuals affected with HMCN1-related conditions. In summary, the available evidence is currently insufficient to determine the role of this variant in disease. Therefore, it has been classified as a Variant of Uncertain Significance. Algorithms developed to predict the effect of missense changes on protein structure and function are either unavailable or do not agree on the potential impact of this missense change (SIFT: "Deleterious"; PolyPhen-2: "Possibly Damaging"; Align-GVGD: "Class C0").

NM_031935.3(HMCN1):c.1276A>C (p.Ile426Leu)

Gene: HMCN1 (hemicentin 1; plus strand). Cytogenetic location: 1q31.1.
Variant type: single nucleotide variant.
Coding change: c.1276A>C on transcript NM_031935.3 (MANE Select); coding-DNA position 1276, A replaced by C.
Protein change: p.Ile426Leu; replaces isoleucine 426 with leucine.
Molecular consequence: missense variant.
Genome position (GRCh38, 1-based): chr1:185,923,644, A>C. VCF-style: chr1-185923644-A-C. GRCh37 (hg19) VCF-style: chr1-185892776-A-C.
Other names: short protein forms I426L.
Identifiers: ClinVar variation 2110772 (VCV002110772.4), dbSNP rs759303781, ClinGen allele CA1291062.